The following is an entry in ClinVar:

ClinVar aggregate classification (germline): Conflicting classifications of pathogenicity. Review status: criteria provided, conflicting classifications (1 of 4 stars). 3 submissions from 3 submitters: Uncertain significance (2); Likely benign (1). Last evaluated 2025-08-23.

Conditions:
Inborn genetic diseases. Identifiers: MedGen C0950123, MeSH D030342.

Allele frequency attached by ClinVar (database versions not stated): TOPMed 0.00003; ESP Exome Variant Server 0.00008.
gnomAD v4.1: 46 of 1,614,086 alleles (0.0028%); highest among the groups gnomAD compares: Admixed American, 0.052%; no homozygotes.

Submissions (3):

Ambry Genetics
Classification: Uncertain significance for Inborn genetic diseases. Last evaluated: 2025-08-23. Review status: criteria provided, single submitter. Criteria: Ambry Variant Classification Scheme 2023. Collection method: clinical testing. Allele origin: germline.

Labcorp Genetics (formerly Invitae), Labcorp
Classification: Uncertain significance. Last evaluated: 2023-11-06. Review status: criteria provided, single submitter. Criteria: Invitae Variant Classification Sherloc (09022015). Collection method: clinical testing. Allele origin: germline.
Comment: This sequence change replaces isoleucine, which is neutral and non-polar, with leucine, which is neutral and non-polar, at codon 1089 of the ADAMTS18 protein (p.Ile1089Leu). This variant is present in population databases (rs376810412, gnomAD 0.07%). This variant has not been reported in the literature in individuals affected with ADAMTS18-related conditions. ClinVar contains an entry for this variant (Variation ID: 1038774). Algorithms developed to predict the effect of missense changes on protein structure and function output the following: SIFT: "Not Available"; PolyPhen-2: "Benign"; Align-GVGD: "Not Available". The leucine amino acid residue is found in multiple mammalian species, which suggests that this missense change does not adversely affect protein function. In summary, the available evidence is currently insufficient to determine the role of this variant in disease. Therefore, it has been classified as a Variant of Uncertain Significance.

Blueprint Genetics
Classification: Likely benign. Last evaluated: 2022-06-10. Review status: criteria provided, single submitter. Criteria: ACMG Guidelines, 2015. Collection method: clinical testing. Allele origin: germline.

NM_199355.4(ADAMTS18):c.3265A>C (p.Ile1089Leu)

Gene: ADAMTS18 (ADAM metallopeptidase with thrombospondin type 1 motif 18; minus strand). Cytogenetic location: 16q23.1.
Variant type: single nucleotide variant.
Coding change: c.3265A>C on transcript NM_199355.4 (MANE Select); coding-DNA position 3265, A replaced by C.
Protein change: p.Ile1089Leu; replaces isoleucine 1089 with leucine.
Molecular consequence: missense variant.
Genome position (GRCh38, 1-based): chr16:77,291,403, T>G on the plus strand (A>C on the coding strand, the complement: ADAMTS18 is on the minus strand). VCF-style: chr16-77291403-T-G. GRCh37 (hg19) VCF-style: chr16-77325300-T-G.
Other names: c.3265A>C (NM_199355.2); c.2749A>C, p.Ile917Leu (NM_001326358.2); short protein forms I917L, I1089L.
Identifiers: ClinVar variation 1038774 (VCV001038774.6), dbSNP rs376810412, ClinGen allele CA8180520.